The following is an entry in ClinVar:

ClinVar aggregate classification (germline): Conflicting classifications of pathogenicity. Review status: criteria provided, conflicting classifications (1 of 4 stars). 4 submissions from 4 submitters: Uncertain significance (3); Likely benign (1). Last evaluated 2024-11-25.

Conditions:
Hereditary cancer-predisposing syndrome. Also called: Neoplastic Syndromes, Hereditary; Hereditary Cancer Syndrome; Tumor predisposition; Hereditary neoplastic syndrome. Identifiers: Orphanet 140162, MedGen C0027672, MeSH D009386, MONDO:0015356.
Hereditary breast ovarian cancer syndrome. Also called: Hereditary breast and ovarian cancer syndrome; Hereditary breast and ovarian cancer syndrome (HBOC); BRCA1- and BRCA2-Associated Hereditary Breast and Ovarian Cancer; Hereditary breast and ovarian cancer; Hereditary breast and/or ovarian cancer syndrome; Breast and ovarian cancer. Identifiers: Orphanet 145, MedGen C0677776, MeSH D061325, MONDO:0003582. Disease mechanism: loss of function.

Allele frequency attached by ClinVar (database versions not stated): TOPMed 0.00001.

Submissions (4):

GeneDx
Classification: Uncertain significance. Last evaluated: 2024-11-25. Review status: criteria provided, single submitter. Criteria: GeneDx Variant Classification Process June 2021. Collection method: clinical testing. Allele origin: germline. Affected: yes.
Comment: Not observed at significant frequency in large population cohorts (gnomAD); In silico analysis indicates that this missense variant does not alter protein structure/function; Has not been previously published as pathogenic or benign to our knowledge; Also known as 4271G>T; This variant is associated with the following publications: (PMID: 29884841, 32377563)

Ambry Genetics
Classification: Uncertain significance for Hereditary cancer-predisposing syndrome. Last evaluated: 2024-08-11. Review status: criteria provided, single submitter. Criteria: Ambry Variant Classification Scheme 2023. Collection method: clinical testing. Allele origin: germline.
Comment: The p.C1348F variant (also known as c.4043G>T), located in coding exon 10 of the BRCA2 gene, results from a G to T substitution at nucleotide position 4043. The cysteine at codon 1348 is replaced by phenylalanine, an amino acid with highly dissimilar properties. This amino acid position is poorly conserved in available vertebrate species. In addition, this alteration is predicted to be tolerated by in silico analysis. Since supporting evidence is limited at this time, the clinical significance of this alteration remains unclear.

University of Washington Department of Laboratory Medicine, University of Washington
Classification: Likely benign for Hereditary cancer-predisposing syndrome. Last evaluated: 2023-03-23. Review status: criteria provided, single submitter. Criteria: Dines et al. (Genet Med. 2020). Collection method: curation. Allele origin: germline.
Comment: Missense variant in a coldspot region where missense variants are very unlikely to be pathogenic (PMID:31911673).

BRCA2 exon 11 coldspot. Reclassification based on statistical prior probability.

Labcorp Genetics (formerly Invitae), Labcorp
Classification: Uncertain significance for Hereditary breast ovarian cancer syndrome. Last evaluated: 2021-12-29. Review status: criteria provided, single submitter. Criteria: Invitae Variant Classification Sherloc (09022015). Collection method: clinical testing. Allele origin: germline.
Comment: In summary, the available evidence is currently insufficient to determine the role of this variant in disease. Therefore, it has been classified as a Variant of Uncertain Significance. Advanced modeling of protein sequence and biophysical properties (such as structural, functional, and spatial information, amino acid conservation, physicochemical variation, residue mobility, and thermodynamic stability) performed at Invitae indicates that this missense variant is not expected to disrupt BRCA2 protein function. ClinVar contains an entry for this variant (Variation ID: 1036663). This variant has not been reported in the literature in individuals affected with BRCA2-related conditions. This variant is not present in population databases (gnomAD no frequency). This sequence change replaces cysteine, which is neutral and slightly polar, with phenylalanine, which is neutral and non-polar, at codon 1348 of the BRCA2 protein (p.Cys1348Phe).

NM_000059.4(BRCA2):c.4043G>T (p.Cys1348Phe)

Gene: BRCA2 (BRCA2 DNA repair associated; plus strand). Cytogenetic location: 13q13.1.
Variant type: single nucleotide variant.
Coding change: c.4043G>T on transcript NM_000059.4 (MANE Select); coding-DNA position 4043, G replaced by T.
Protein change: p.Cys1348Phe; replaces cysteine 1348 with phenylalanine.
Molecular consequence: missense variant.
Genome position (GRCh38, 1-based): chr13:32,338,398, G>T. VCF-style: chr13-32338398-G-T. GRCh37 (hg19) VCF-style: chr13-32912535-G-T.
Other names: short protein forms C1348F.
Identifiers: ClinVar variation 1036663 (VCV001036663.14), dbSNP rs1307056903, ClinGen allele CA387779092.